The following is an entry in ClinVar:

NM_003482.4(KMT2D):c.4318T>C (p.Ser1440Pro)

Gene: KMT2D (lysine methyltransferase 2D; minus strand). Cytogenetic location: 12q13.12.
Variant type: single nucleotide variant.
Coding change: c.4318T>C on transcript NM_003482.4 (MANE Select); coding-DNA position 4318, T replaced by C.
Protein change: p.Ser1440Pro; replaces serine 1440 with proline.
Molecular consequence: missense variant.
Genome position (GRCh38, 1-based): chr12:49,046,709, A>G on the plus strand (T>C on the coding strand, the complement: KMT2D is on the minus strand). VCF-style: chr12-49046709-A-G. GRCh37 (hg19) VCF-style: chr12-49440492-A-G.
Other names: short protein forms S1440P.
Identifiers: ClinVar variation 2431009 (VCV002431009.2), dbSNP rs2498430242, ClinGen allele CA384647227.

ClinVar aggregate classification (germline): Uncertain significance. Review status: criteria provided, multiple submitters, no conflicts (2 of 4 stars). 2 submissions from 2 submitters: Uncertain significance (2). Last evaluated 2026-03-23.

Conditions:
Inborn genetic diseases. Identifiers: MedGen C0950123, MeSH D030342.

Submissions (2):

Ambry Genetics
Classification: Uncertain significance for Inborn genetic diseases. Last evaluated: 2026-03-23. Review status: criteria provided, single submitter. Criteria: Ambry Variant Classification Scheme 2023. Collection method: clinical testing. Allele origin: germline.

GeneDx
Classification: Uncertain significance. Last evaluated: 2022-08-18. Review status: criteria provided, single submitter. Criteria: GeneDx Variant Classification Process June 2021. Collection method: clinical testing. Allele origin: germline. Affected: yes.
Comment: Not observed at significant frequency in large population cohorts (gnomAD); In silico analysis supports that this missense variant has a deleterious effect on protein structure/function; Has not been previously published as pathogenic or benign to our knowledge